The following is an entry in ClinVar:

NM_001369623.2(PI4KB):c.1411-4C>T

Gene: PI4KB (phosphatidylinositol 4-kinase beta; minus strand). Cytogenetic location: 1q21.3.
Variant type: single nucleotide variant.
Coding change: c.1411-4C>T on transcript NM_001369623.2 (MANE Select); 4 bases into the intron before coding-DNA position 1411, C replaced by T.
Molecular consequence: intron variant.
Genome position (GRCh38, 1-based): chr1:151,303,654, G>A on the plus strand (C>T on the coding strand, the complement: PI4KB is on the minus strand). VCF-style: chr1-151303654-G-A. GRCh37 (hg19) VCF-style: chr1-151276130-G-A.
Other names: c.1411-4C>T (NM_001369626.1, NM_001369629.2, NM_001330721.2); c.1366-4C>T (NM_001369624.1, NM_001198774.2, NM_001198773.3); c.1402-4C>T (NM_001369625.1, NM_001369628.1); c.415-4C>T (NM_001198775.3); c.1447-4C>T (NM_002651.4).
Identifiers: ClinVar variation 4982768 (VCV004982768.1).

ClinVar aggregate classification (germline): Likely benign (1 of 4 stars; one submission).

Conditions:
PI4KB-related disorder. Also called: PI4KB-related condition.

gnomAD v4.1: 6 of 1,595,190 alleles (0.00038%); highest among the groups gnomAD compares: Admixed American, 0.0067%; no homozygotes.

Submission:

PreventionGenetics, part of Exact Sciences
Classification: Likely benign for PI4KB-related condition. Last evaluated: 2026-06-17. Review status: criteria provided, single submitter. Criteria: ACMG Guidelines, 2015. Collection method: clinical testing. Allele origin: germline.
Comment: This variant is classified as likely benign based on ACMG/AMP sequence variant interpretation guidelines (Richards et al. 2015 PMID: 25741868, with internal and published modifications).